The following is an entry in ClinVar:

ClinVar aggregate classification (germline): Uncertain significance. Review status: criteria provided, multiple submitters, no conflicts (2 of 4 stars). 2 submissions from 2 submitters: Uncertain significance (2). Last evaluated 2025-06-26.

Conditions:
Hereditary cancer-predisposing syndrome. Also called: Neoplastic Syndromes, Hereditary; Hereditary Cancer Syndrome; Tumor predisposition; Hereditary neoplastic syndrome. Identifiers: Orphanet 140162, MedGen C0027672, MeSH D009386, MONDO:0015356.
Hereditary breast ovarian cancer syndrome. Also called: Hereditary breast and ovarian cancer syndrome; Hereditary breast and ovarian cancer syndrome (HBOC); BRCA1- and BRCA2-Associated Hereditary Breast and Ovarian Cancer; Hereditary breast and ovarian cancer; Hereditary breast and/or ovarian cancer syndrome; Breast and ovarian cancer. Identifiers: Orphanet 145, MedGen C0677776, MeSH D061325, MONDO:0003582. Disease mechanism: loss of function.

Submissions (2):

Molecular Diagnostics Laboratory, Catalan Institute of Oncology
Classification: Uncertain significance for Hereditary cancer-predisposing syndrome. Last evaluated: 2025-06-26. Review status: criteria provided, single submitter. Criteria: ClinGen BRCA1BRCA2 ACMG Specifications BRCA1 V1.0.0. Collection method: clinical testing. Allele origin: germline.
Comment: c.4227_4229dup, located in exon 12 of the BRCA1 gene, consists in the duplication of 3 nucleotides, predicted to cause an in-frame duplication of 1 amino acid, p.(Glu1410dup). This position is inside a (potentially) clinically important functional domain and, moreover, the SpliceAI algorithm predicts no significant impact on splicing. It is not present in the population database gnomAD v2.1.1, non cancer dataset. To our knowledge, neither relevant clinical data nor well-established functional studies have been reported for this variant In addition, the variant has been reported in the ClinVar (1x uncertain significance) and BRCA Exchange (not yet reviewed) databases, but not in the LOVD database. Based on currently available information, the variant c.4227_4229dup should be considered an uncertain significance variant.

Labcorp Genetics (formerly Invitae), Labcorp
Classification: Uncertain significance for Hereditary breast ovarian cancer syndrome. Last evaluated: 2020-09-09. Review status: criteria provided, single submitter. Criteria: Invitae Variant Classification Sherloc (09022015). Collection method: clinical testing. Allele origin: germline.
Comment: This variant, c.4227_4229dup, results in the insertion of 1 amino acid(s) to the BRCA1 protein (p.Glu1410dup), but otherwise preserves the integrity of the reading frame. This variant is not present in population databases (ExAC no frequency). In summary, the available evidence is currently insufficient to determine the role of this variant in disease. Therefore, it has been classified as a Variant of Uncertain Significance. Experimental studies and prediction algorithms are not available or were not evaluated, and the functional significance of this variant is currently unknown. This variant has not been reported in the literature in individuals with BRCA1-related conditions.

NM_007294.4(BRCA1):c.4227_4229dup (p.Glu1410_Met1411insGlu)

Gene: BRCA1 (BRCA1 DNA repair associated; minus strand). Cytogenetic location: 17q21.31.
Variant type: Duplication.
Coding change: c.4227_4229dup on transcript NM_007294.4 (MANE Select); coding-DNA positions 4227 to 4229, 3 bases duplicated (GGA; older notation c.4227_4229dupGGA).
Protein change: p.Glu1410_Met1411insGlu.
Molecular consequence: inframe insertion. On other transcripts: inframe indel (365), non-coding transcript variant (1).
Genome position (GRCh38, 1-based): chr17:43,082,532-43,082,534, TCC duplicated on the plus strand (GGA on the coding strand, the reverse complement: BRCA1 is on the minus strand); duplicating any 3 consecutive bases within chr17:43,082,532-43,082,535 gives the same sequence; the c. name uses the placement nearest the transcript's 3' end. VCF-style (leftmost placement, unchanged base first): chr17-43082531-T-TTCC. GRCh37 (hg19) VCF-style: chr17-41234548-T-TTCC.
Other names: c.4223_4225dup, p.Glu1409_Met1410insGlu (NM_001407633.1, NM_001407634.1, NM_001407635.1 and 21 more transcripts); c.4220_4222dup, p.Glu1408_Met1409insGlu (NM_001407644.1, NM_001407645.1, NM_001407631.1 and 5 more transcripts); c.4214_4216dup, p.Glu1406_Met1407insGlu (NM_001407646.1, NM_001407647.1); c.4103_4105dup, p.Glu1369_Met1370insGlu (NM_001407648.1, NM_001407664.1, NM_001407665.1 and 13 more transcripts); c.4013_4015dup, p.Glu1339_Met1340insGlu (NM_001407571.1, NM_001407853.1, NM_001407894.1 and 12 more transcripts); c.4226_4228dup, p.Glu1410_Met1411insGlu (NM_001407581.1, NM_001407582.1, NM_001407583.1 and 22 more transcripts); c.4100_4102dup, p.Glu1368_Met1369insGlu (NM_001407649.1, NM_001407670.1, NM_001407671.1 and 12 more transcripts); c.4148_4150dup, p.Glu1384_Met1385insGlu (NM_001407653.1, NM_001407654.1, NM_001407655.1 and 2 more transcripts); and 54 more.
Identifiers: ClinVar variation 1037303 (VCV001037303.11), dbSNP rs2053062886, ClinGen allele CA913187500.